The following is an entry in ClinVar:

ClinVar aggregate classification (germline): Uncertain significance (1 of 4 stars; one submission).

Submission:

Center for Pediatric Genomic Medicine, Children's Mercy Hospital and Clinics
Classification: Uncertain significance. Last evaluated: 2015-10-09. Review status: criteria provided, single submitter. Criteria: ACMG Guidelines, 2015. Collection method: clinical testing. Allele origin: germline.
ClinVar note: Converted during submission from Uncertain Significance to Uncertain significance.

NC_012920.1(MT-CO3):m.9281C>T

Gene: MT-CO3 (mitochondrially encoded cytochrome c oxidase III; plus strand).
Variant type: single nucleotide variant.
Genome position: chrM-9281-C-T.
Identifiers: ClinVar variation 235461 (VCV000235461.3), dbSNP rs878853042, ClinGen allele CA10581319.